The following is an entry in ClinVar:

NM_000218.3(KCNQ1):c.1393+20810C>T

Genes: KCNQ1 (potassium voltage-gated channel subfamily Q member 1; plus strand), KCNQ1OT1 (KCNQ1 opposite strand/antisense transcript 1; minus strand). Cytogenetic location: 11p15.5.
Variant type: single nucleotide variant.
Coding change: c.1393+20810C>T on transcript NM_000218.3 (MANE Select); 20810 bases into the intron after coding-DNA position 1393, C replaced by T.
Molecular consequence: intron variant. On other transcripts: non-coding transcript variant (1).
Genome position (GRCh38, 1-based): chr11:2,609,664, C>T. VCF-style: chr11-2609664-C-T. GRCh37 (hg19) VCF-style: chr11-2630894-C-T.
Other names: c.853+20810C>T (NM_001406838.1); c.1012+20810C>T (NM_181798.2); c.1123+20810C>T (NM_001406837.1); c.1297+20810C>T (NM_001406836.1).
Identifiers: ClinVar variation 3905685 (VCV003905685.10).

ClinVar aggregate classification (germline): Likely benign (1 of 4 stars; one submission).

gnomAD v4.1: 46 of 398,194 alleles (0.012%); highest among the groups gnomAD compares: Admixed American, 0.013%; no homozygotes.

Submission:

CeGaT Center for Human Genetics Tuebingen
Classification: Likely benign. Last evaluated: 2025-05-01. Review status: criteria provided, single submitter. Criteria: CeGaT Center For Human Genetics Tuebingen Variant Classification Criteria Version 2. Collection method: clinical testing. Allele origin: germline. Affected: yes. Observed: 1 variant allele.
Comment: KCNQ1OT1: BP1